The following is an entry in ClinVar:

NM_006035.4(CDC42BPB):c.635G>A (p.Gly212Asp)

Gene: CDC42BPB (CDC42 binding protein kinase beta; minus strand). Cytogenetic location: 14q32.32.
Variant type: single nucleotide variant.
Coding change: c.635G>A on transcript NM_006035.4 (MANE Select); coding-DNA position 635, G replaced by A.
Protein change: p.Gly212Asp; replaces glycine 212 with aspartic acid.
Molecular consequence: missense variant.
Genome position (GRCh38, 1-based): chr14:102,986,542, C>T on the plus strand (G>A on the coding strand, the complement: CDC42BPB is on the minus strand). VCF-style: chr14-102986542-C-T. GRCh37 (hg19) VCF-style: chr14-103452879-C-T.
Other names: c.635G>A, p.Gly212Asp (NM_001411054.1); short protein forms G212D.
Identifiers: ClinVar variation 3488406 (VCV003488406.2).

ClinVar aggregate classification (germline): Uncertain significance (1 of 4 stars; one submission).

Conditions:
Inborn genetic diseases. Identifiers: MedGen C0950123, MeSH D030342.

Submission:

Ambry Genetics
Classification: Uncertain significance for Inborn genetic diseases. Last evaluated: 2025-04-01. Review status: criteria provided, single submitter. Criteria: Ambry Variant Classification Scheme 2023. Collection method: clinical testing. Allele origin: germline.
Comment: The c.635G>A (p.G212D) alteration is located in exon 6 (coding exon 6) of the CDC42BPB gene. This alteration results from a G to A substitution at nucleotide position 635, causing the glycine (G) at amino acid position 212 to be replaced by an aspartic acid (D). This variant was not reported in population-based cohorts in the Genome Aggregation Database (gnomAD). This amino acid position is highly conserved in available vertebrate species. This missense alteration is located in a region that has a low rate of benign missense variation (Lek, 2016; Firth, 2009). This alteration is predicted to be deleterious by in silico analysis. Based on insufficient or conflicting evidence, the clinical significance of this alteration remains unclear.